The following is an entry in ClinVar:

ClinVar aggregate classification (germline): Uncertain significance. Review status: criteria provided, multiple submitters, no conflicts (2 of 4 stars). 2 submissions from 2 submitters: Uncertain significance (2). Last evaluated 2024-05-24.

Conditions:
Dilated Cardiomyopathy, Recessive.

gnomAD v4.1: 41 of 1,612,036 alleles (0.0025%); highest among the groups gnomAD compares: Middle Eastern, 0.016%; no homozygotes.

Submissions (2):

Ambry Genetics
Classification: Uncertain significance. Last evaluated: 2024-05-24. Review status: criteria provided, single submitter. Criteria: Ambry Variant Classification Scheme 2023. Collection method: clinical testing. Allele origin: germline.

Labcorp Genetics (formerly Invitae), Labcorp
Classification: Uncertain significance. Last evaluated: 2024-02-16. Review status: criteria provided, single submitter. Criteria: Invitae Variant Classification Sherloc (09022015). Collection method: clinical testing. Allele origin: germline.
Comment: This sequence change replaces arginine, which is basic and polar, with tryptophan, which is neutral and slightly polar, at codon 848 of the PLEKHM2 protein (p.Arg848Trp). This variant is present in population databases (rs748653513, gnomAD 0.01%). This variant has not been reported in the literature in individuals affected with PLEKHM2-related conditions. An algorithm developed to predict the effect of missense changes on protein structure and function (PolyPhen-2) suggests that this variant is likely to be disruptive. In summary, the available evidence is currently insufficient to determine the role of this variant in disease. Therefore, it has been classified as a Variant of Uncertain Significance.

NM_015164.4(PLEKHM2):c.2542C>T (p.Arg848Trp)

Gene: PLEKHM2 (pleckstrin homology and RUN domain containing M2; plus strand). Cytogenetic location: 1p36.21.
Variant type: single nucleotide variant.
Coding change: c.2542C>T on transcript NM_015164.4 (MANE Select); coding-DNA position 2542, C replaced by T.
Protein change: p.Arg848Trp; replaces arginine 848 with tryptophan.
Molecular consequence: missense variant.
Genome position (GRCh38, 1-based): chr1:15,731,965, C>T. VCF-style: chr1-15731965-C-T. GRCh37 (hg19) VCF-style: chr1-16058460-C-T.
Other names: c.2482C>T, p.Arg828Trp (NM_001410755.1); short protein forms R848W, R828W.
Identifiers: ClinVar variation 3307689 (VCV003307689.2).